The following is an entry in ClinVar:

ClinVar aggregate classification (germline): Benign. Review status: criteria provided, single submitter (1 of 4 stars). 2 submissions from 2 submitters: Benign (1). 1 of the submissions does not count toward it. Last evaluated 2022-12-29.

Conditions:
RBM10-related disorder. Also called: RBM10-related condition.

Allele frequency attached by ClinVar (database versions not stated): ExAC 0.00009; gnomAD 0.00009; TOPMed 0.00010; ESP Exome Variant Server 0.00009.
gnomAD v4.1: 116 of 1,210,316 alleles (0.0096%); highest among the groups gnomAD compares: Non-Finnish European, 0.011%; no homozygotes.

Submissions (2):

Labcorp Genetics (formerly Invitae), Labcorp
Classification: Benign. Last evaluated: 2022-12-29. Review status: criteria provided, single submitter. Criteria: Invitae Variant Classification Sherloc (09022015). Collection method: clinical testing. Allele origin: germline.

PreventionGenetics, part of Exact Sciences
Classification: Likely benign for RBM10-related condition. Last evaluated: 2022-05-09. Review status: no assertion criteria provided. Collection method: clinical testing. Allele origin: germline. Not counted in ClinVar's aggregate classification.
Comment: This variant is classified as likely benign based on ACMG/AMP sequence variant interpretation guidelines (Richards et al. 2015 PMID: 25741868, with internal and published modifications).

NM_005676.5(RBM10):c.2379A>C (p.Arg793=)

Gene: RBM10 (RNA binding motif protein 10; plus strand). Cytogenetic location: Xp11.3.
Variant type: single nucleotide variant.
Coding change: c.2379A>C on transcript NM_005676.5 (MANE Select); coding-DNA position 2379, A replaced by C.
Protein change: p.Arg793=; no amino-acid change (arginine 793 retained).
Molecular consequence: synonymous variant.
Genome position (GRCh38, 1-based): chrX:47,185,739, A>C. VCF-style: chrX-47185739-A-C. GRCh37 (hg19) VCF-style: chrX-47045138-A-C.
Other names: c.2148A>C, p.Arg716= (NM_001204466.2); c.2376A>C, p.Arg792= (NM_001204467.2); c.2574A>C, p.Arg858= (NM_001204468.2); c.2145A>C, p.Arg715= (NM_152856.3); c.2379A>C (NM_005676.4).
Identifiers: ClinVar variation 2057825 (VCV002057825.6), dbSNP rs367680909, ClinGen allele CA10395457.